The following is an entry in ClinVar:

ClinVar aggregate classification (germline): Likely pathogenic (1 of 4 stars; one submission).

Conditions:
Nemaline myopathy 2 (NEM2). Also called: Nemaline myopathy 2, autosomal recessive. Identifiers: MedGen C1850569, MONDO:0009725, OMIM 256030.

Submission:

Myriad Genetics, Inc.
Classification: Likely pathogenic for Nemaline myopathy 2. Last evaluated: 2022-05-29. Review status: criteria provided, single submitter. Criteria: Myriad Women's Health Autosomal Recessive and X-Linked Classification Criteria (2021). Collection method: clinical testing. Allele origin: unknown.
Comment: NM_001271208.1(NEB):c.9667delA(M3223Cfs*81) is expected to be pathogenic in the context of NEB-related nemaline myopathy. This variant is predicted to lead to an abnormal or absent protein product due to the creation of a premature termination codon in NEB, a gene where loss-of-function variants are known to be pathogenic. Please note: this variant was assessed in the context of healthy population screening.

NM_001164508.2(NEB):c.9667del (p.Met3223fs)

Gene: NEB (nebulin; minus strand). Cytogenetic location: 2q23.3.
Variant type: Deletion.
Coding change: c.9667del on transcript NM_001164508.2 (MANE Select); coding-DNA position 9667, one base deleted (A; older notation c.9667delA).
Protein change: p.Met3223fs; shifts the reading frame from methionine 3223.
Molecular consequence: frameshift variant.
Genome position (GRCh38, 1-based): chr2:151,630,771, T deleted on the plus strand (A on the coding strand, the reverse complement: NEB is on the minus strand); the first of 2 consecutive T bases (chr2:151,630,771-151,630,772); deleting either gives the same sequence. VCF-style (leftmost placement, unchanged base first): chr2-151630770-AT-A. GRCh37 (hg19) VCF-style: chr2-152487284-AT-A.
Other names: c.9667del, p.Met3223fs (NM_001164507.2, NM_001271208.2); c.8938del, p.Met2980fs (NM_004543.5); short protein forms M2980fs, M3223fs.
Identifiers: ClinVar variation 1726236 (VCV001726236.2), dbSNP rs2552237995, ClinGen allele CA2580063898.
Genomic context (GRCh38, chr2:151,630,770, plus strand): 5'-CCTACCTCACTGTAGTTGATTTTGTTCTGCCTTGCCAACATAATCTCTGGTGTATCAGGC[AT>A]TATGTGAATTTGAGTCTTGTCTTTGTCCCAGGCCTCTGTGTATAAACGCTATAAAAGAAG-3'